The following is an entry in ClinVar:

NM_004519.4(KCNQ3):c.933+114G>A

Gene: KCNQ3 (potassium voltage-gated channel subfamily Q member 3; minus strand). Cytogenetic location: 8q24.22.
Variant type: single nucleotide variant.
Coding change: c.933+114G>A on transcript NM_004519.4 (MANE Select); 114 bases into the intron after coding-DNA position 933, G replaced by A.
Molecular consequence: intron variant.
Genome position (GRCh38, 1-based): chr8:132,175,339, C>T on the plus strand (G>A on the coding strand, the complement: KCNQ3 is on the minus strand). VCF-style: chr8-132175339-C-T. GRCh37 (hg19) VCF-style: chr8-133187586-C-T.
Other names: c.573+114G>A (NM_001204824.2).
Identifiers: ClinVar variation 676696 (VCV000676696.1), dbSNP rs16904620, ClinGen allele CA186223471.

ClinVar aggregate classification (germline): Benign (1 of 4 stars; one submission).

Allele frequency attached by ClinVar (database versions not stated): gnomAD exomes 0.00441; gnomAD 0.04009 and 0.04319; 1000 Genomes Project 0.04393; 1000 Genomes Project 30x 0.04560; TOPMed 0.04569.
gnomAD v4.1: 11,060 of 1,215,810 alleles (0.91%); highest among the groups gnomAD compares: African/African-American, 14%; 708 homozygotes.

Submission:

GeneDx
Classification: Benign. Last evaluated: 2018-06-14. Review status: criteria provided, single submitter. Criteria: GeneDx Variant Classification (06012015). Collection method: clinical testing. Allele origin: germline. Affected: yes.
Comment: This variant is considered likely benign or benign based on one or more of the following criteria: it is a conservative change, it occurs at a poorly conserved position in the protein, it is predicted to be benign by multiple in silico algorithms, and/or has population frequency not consistent with disease.